The following is an entry in ClinVar:

ClinVar aggregate classification (germline): Uncertain significance. Review status: criteria provided, multiple submitters, no conflicts (2 of 4 stars). 2 submissions from 2 submitters: Uncertain significance (2). Last evaluated 2025-01-06.

Conditions:
Cardiovascular phenotype. Identifiers: MedGen CN230736.
Hypertrophic cardiomyopathy. Also called: HYPERTROPHIC MYOCARDIOPATHY. Identifiers: Orphanet 217569, MedGen C0007194, MeSH D002312, MONDO:0005045, HP:0001639.

Submissions (2):

Labcorp Genetics (formerly Invitae), Labcorp
Classification: Uncertain significance for Hypertrophic cardiomyopathy. Last evaluated: 2025-01-06. Review status: criteria provided, single submitter. Criteria: Invitae Variant Classification Sherloc (09022015). Collection method: clinical testing. Allele origin: germline.
Comment: This sequence change replaces threonine, which is neutral and polar, with isoleucine, which is neutral and non-polar, at codon 604 of the MYH7 protein (p.Thr604Ile). This variant is not present in population databases (gnomAD no frequency). This variant has not been reported in the literature in individuals affected with MYH7-related conditions. ClinVar contains an entry for this variant (Variation ID: 1780594). Invitae Evidence Modeling of protein sequence and biophysical properties (such as structural, functional, and spatial information, amino acid conservation, physicochemical variation, residue mobility, and thermodynamic stability) indicates that this missense variant is expected to disrupt MYH7 protein function with a positive predictive value of 95%. In summary, the available evidence is currently insufficient to determine the role of this variant in disease. Therefore, it has been classified as a Variant of Uncertain Significance.

Ambry Genetics
Classification: Uncertain significance for Cardiovascular phenotype. Last evaluated: 2021-07-15. Review status: criteria provided, single submitter. Criteria: Ambry Variant Classification Scheme 2023. Collection method: clinical testing. Allele origin: germline.
Comment: The p.T604I variant (also known as c.1811C>T), located in coding exon 14 of the MYH7 gene, results from a C to T substitution at nucleotide position 1811. The threonine at codon 604 is replaced by isoleucine, an amino acid with similar properties. This alteration is located in the myosin head domain, which contains a statistically significant clustering of pathogenic missense variants (Homburger JR et al. Proc Natl Acad Sci U S A, 2016 06;113:6701-6; Walsh R et al. Genet Med, 2017 02;19:192-203; Ambry internal data). This amino acid position is highly conserved in available vertebrate species. In addition, this alteration is predicted to be deleterious by in silico analysis. Since supporting evidence is limited at this time, the clinical significance of this alteration remains unclear.

NM_000257.4(MYH7):c.1811C>T (p.Thr604Ile)

Gene: MYH7 (myosin heavy chain 7; minus strand). Cytogenetic location: 14q11.2.
Variant type: single nucleotide variant.
Coding change: c.1811C>T on transcript NM_000257.4 (MANE Select); coding-DNA position 1811, C replaced by T.
Protein change: p.Thr604Ile; replaces threonine 604 with isoleucine.
Molecular consequence: missense variant.
Genome position (GRCh38, 1-based): chr14:23,427,662, G>A on the plus strand (C>T on the coding strand, the complement: MYH7 is on the minus strand). VCF-style: chr14-23427662-G-A. GRCh37 (hg19) VCF-style: chr14-23896871-G-A.
Other names: short protein forms T604I.
Identifiers: ClinVar variation 1780594 (VCV001780594.4), dbSNP rs730880881, ClinGen allele CA011302.